The following is an entry in ClinVar:

NM_014714.4(IFT140):c.1489G>T (p.Val497Leu)

Genes: IFT140 (intraflagellar transport 140; minus strand), LOC105371046 (uncharacterized LOC105371046; plus strand). Cytogenetic location: 16p13.3.
Variant type: single nucleotide variant.
Coding change: c.1489G>T on transcript NM_014714.4 (MANE Select); coding-DNA position 1489, G replaced by T.
Protein change: p.Val497Leu; replaces valine 497 with leucine.
Molecular consequence: missense variant.
Genome position (GRCh38, 1-based): chr16:1,580,794, C>A on the plus strand (G>T on the coding strand, the complement: IFT140 is on the minus strand). VCF-style: chr16-1580794-C-A. GRCh37 (hg19) VCF-style: chr16-1630795-C-A.
Other names: short protein forms V497L.
Identifiers: ClinVar variation 4739667 (VCV004739667.1).

ClinVar aggregate classification (germline): Uncertain significance (1 of 4 stars; one submission).

Conditions:
Saldino-Mainzer syndrome (SRTD9). Also called: CONORENAL SYNDROME; Renal dysplasia, retinal pigmentary dystrophy, cerebellar ataxia and skeletal dysplasia; SHORT-RIB THORACIC DYSPLASIA 9 WITHOUT POLYDACTYLY; short-rib thoracic dysplasia 9 with or without polydactyly. Identifiers: Orphanet 140969, MedGen C1849437, MONDO:0009964, OMIM 266920.

Submission:

Labcorp Genetics (formerly Invitae), Labcorp
Classification: Uncertain significance for Saldino-Mainzer syndrome. Last evaluated: 2025-11-23. Review status: criteria provided, single submitter. Criteria: Invitae Variant Classification Sherloc (09022015). Collection method: clinical testing. Allele origin: germline.
Comment: This sequence change replaces valine, which is neutral and non-polar, with leucine, which is neutral and non-polar, at codon 497 of the IFT140 protein (p.Val497Leu). This variant is not present in population databases (gnomAD no frequency). This variant has not been reported in the literature in individuals affected with IFT140-related conditions. Invitae Evidence Modeling of protein sequence and biophysical properties (such as structural, functional, and spatial information, amino acid conservation, physicochemical variation, residue mobility, and thermodynamic stability) indicates that this missense variant is not expected to disrupt IFT140 protein function with a negative predictive value of 95%. In summary, the available evidence is currently insufficient to determine the role of this variant in disease. Therefore, it has been classified as a Variant of Uncertain Significance.